The following is an entry in ClinVar:

ClinVar aggregate classification (germline): Uncertain significance (1 of 4 stars; one submission).

Conditions:
Idiopathic generalized epilepsy. Also called: Generalised epilepsy; EIG. Identifiers: MedGen C0270850, MONDO:0005579, OMIM 600669.
Hyperaldosteronism, familial, type IV (HALD4). Also called: FH IV; ALDOSTERONISM, PRIMARY, AND HYPERTENSION. Identifiers: Orphanet 642671, MedGen C4310756, MONDO:0014875, OMIM 617027.

Allele frequency attached by ClinVar (database versions not stated): gnomAD exomes below 0.00001; ExAC 0.00001.
gnomAD v4.1: 2 of 1,613,056 alleles (0.00012%); no homozygotes.

Submission:

Labcorp Genetics (formerly Invitae), Labcorp
Classification: Uncertain significance for Idiopathic generalized epilepsy; Hyperaldosteronism, familial, type IV. Last evaluated: 2022-09-14. Review status: criteria provided, single submitter. Criteria: Invitae Variant Classification Sherloc (09022015). Collection method: clinical testing. Allele origin: germline.
Comment: This sequence change replaces serine, which is neutral and polar, with glycine, which is neutral and non-polar, at codon 834 of the CACNA1H protein (p.Ser834Gly). This variant is present in population databases (rs752515650, gnomAD 0.004%). This variant has not been reported in the literature in individuals affected with CACNA1H-related conditions. Advanced modeling of protein sequence and biophysical properties (such as structural, functional, and spatial information, amino acid conservation, physicochemical variation, residue mobility, and thermodynamic stability) has been performed at Invitae for this missense variant, however the output from this modeling did not meet the statistical confidence thresholds required to predict the impact of this variant on CACNA1H protein function. In summary, the available evidence is currently insufficient to determine the role of this variant in disease. Therefore, it has been classified as a Variant of Uncertain Significance.

NM_021098.3(CACNA1H):c.2500A>G (p.Ser834Gly)

Gene: CACNA1H (calcium voltage-gated channel subunit alpha1 H; plus strand). Cytogenetic location: 16p13.3.
Variant type: single nucleotide variant.
Coding change: c.2500A>G on transcript NM_021098.3 (MANE Select); coding-DNA position 2500, A replaced by G.
Protein change: p.Ser834Gly; replaces serine 834 with glycine.
Molecular consequence: missense variant.
Genome position (GRCh38, 1-based): chr16:1,205,162, A>G. VCF-style: chr16-1205162-A-G. GRCh37 (hg19) VCF-style: chr16-1255162-A-G.
Other names: c.2500A>G, p.Ser834Gly (NM_001005407.2); short protein forms S834G.
Identifiers: ClinVar variation 1998224 (VCV001998224.4), dbSNP rs752515650, ClinGen allele CA7800312.
Genomic context (GRCh38, chr16:1,205,162, plus strand): 5'-CTCTGCCTGCAGCCCGAGGAGCTGACTAATGCTCTGGAGATCAGCAACATCGTGTTCACC[A>G]GCATGTTTGCCCTGGAGATGCTGCTGAAGCTGCTGGCCTGCGGCCCTCTGGGCTACATCC-3'
Protein context (NP_066921.2, residues 824-844): ALEISNIVFT[Ser834Gly]MFALEMLLKL